The following is an entry in ClinVar:

ClinVar aggregate classification (germline): Likely benign. Review status: criteria provided, single submitter (1 of 4 stars). 2 submissions from 2 submitters: Likely benign (1). 1 of the submissions does not count toward it. Last evaluated 2022-08-01.

Conditions:
PLXNA3-related disorder. Also called: PLXNA3-related condition.

Allele frequency attached by ClinVar (database versions not stated): ESP Exome Variant Server 0.00019; TOPMed 0.00037; gnomAD 0.00052; ExAC 0.00055; gnomAD exomes 0.00061.

Submissions (2):

CeGaT Center for Human Genetics Tuebingen
Classification: Likely benign. Last evaluated: 2022-08-01. Review status: criteria provided, single submitter. Criteria: CeGaT Center For Human Genetics Tuebingen Variant Classification Criteria Version 2. Collection method: clinical testing. Allele origin: germline. Affected: yes. Observed: 1 variant allele.
Comment: PLXNA3: BP4, BP7

PreventionGenetics, part of Exact Sciences
Classification: Likely benign for PLXNA3-related condition. Last evaluated: 2021-11-02. Review status: no assertion criteria provided. Collection method: clinical testing. Allele origin: germline. Not counted in ClinVar's aggregate classification.
Comment: This variant is classified as likely benign based on ACMG/AMP sequence variant interpretation guidelines (Richards et al. 2015 PMID: 25741868, with internal and published modifications).

NM_017514.5(PLXNA3):c.447C>T (p.Asp149=)

Gene: PLXNA3 (plexin A3; plus strand). Cytogenetic location: Xq28.
Variant type: single nucleotide variant.
Coding change: c.447C>T on transcript NM_017514.5 (MANE Select); coding-DNA position 447, C replaced by T.
Protein change: p.Asp149=; no amino-acid change (aspartic acid 149 retained).
Molecular consequence: synonymous variant.
Genome position (GRCh38, 1-based): chrX:154,460,630, C>T. VCF-style: chrX-154460630-C-T. GRCh37 (hg19) VCF-style: chrX-153688970-C-T.
Identifiers: ClinVar variation 2661824 (VCV002661824.25), dbSNP rs370979283, ClinGen allele CA10563693.